The following is an entry in ClinVar:

ClinVar aggregate classification (germline): Uncertain significance (1 of 4 stars; one submission).

Conditions:
Intellectual developmental disorder with muscle tone abnormalities and distal skeletal defects (IDDMDS). Identifiers: MedGen C5774199, MONDO:0859277, OMIM 620007.

gnomAD v4.1: 1 of 1,613,726 alleles (0.000062%); highest among the groups gnomAD compares: Non-Finnish European, 0.000085%; no homozygotes.

Submission:

3billion
Classification: Uncertain significance for Intellectual developmental disorder with muscle tone abnormalities and distal skeletal defects. Last evaluated: 2023-08-21. Review status: criteria provided, single submitter. Criteria: ACMG Guidelines, 2015. Collection method: clinical testing. Allele origin: germline. Affected: yes.
Comment: The variant is not observed in the gnomAD v2.1.1 dataset. Predicted Consequence/Location: Intron variant In silico tools predict the variant to alter splicing and produce an abnormal transcript [SpliceAI: 0.95 (>=0.2, moderate evidence for spliceogenicity)]. Therefore, this variant is classified as VUS according to the recommendation of ACMG/AMP guideline.

NM_139278.4(LGI3):c.422+5G>A

Gene: LGI3 (leucine rich repeat LGI family member 3; minus strand). Cytogenetic location: 8p21.3.
Variant type: single nucleotide variant.
Coding change: c.422+5G>A on transcript NM_139278.4 (MANE Select); 5 bases into the intron after coding-DNA position 422, G replaced by A.
Molecular consequence: intron variant.
Genome position (GRCh38, 1-based): chr8:22,154,137, C>T on the plus strand (G>A on the coding strand, the complement: LGI3 is on the minus strand). VCF-style: chr8-22154137-C-T. GRCh37 (hg19) VCF-style: chr8-22011650-C-T.
Identifiers: ClinVar variation 3775934 (VCV003775934.1).